The following is an entry in ClinVar:

NM_001267550.2(TTN):c.52927C>T (p.Arg17643Trp)

Genes: TTN (titin; minus strand), TTN-AS1 (TTN antisense RNA 1; plus strand), LOC126806425 (BRD4-independent group 4 enhancer GRCh37_chr2:179471933-179473132; plus strand). Cytogenetic location: 2q31.2.
Variant type: single nucleotide variant.
Coding change: c.52927C>T on transcript NM_001267550.2 (MANE Select); coding-DNA position 52927, C replaced by T.
Protein change: p.Arg17643Trp; replaces arginine 17643 with tryptophan.
Molecular consequence: missense variant.
Genome position (GRCh38, 1-based): chr2:178,607,860, G>A on the plus strand (C>T on the coding strand, the complement: TTN is on the minus strand). VCF-style: chr2-178607860-G-A. GRCh37 (hg19) VCF-style: chr2-179472587-G-A.
Other names: c.25732C>T, p.Arg8578Trp (NM_003319.4); c.26107C>T, p.Arg8703Trp (NM_133432.3); c.26308C>T, p.Arg8770Trp (NM_133437.4); c.48004C>T, p.Arg16002Trp (NM_001256850.1); c.45223C>T, p.Arg15075Trp (NM_133378.4); short protein forms R15075W, R17643W, R16002W, R8703W, R8770W, R8578W.
Identifiers: ClinVar variation 229459 (VCV000229459.15), dbSNP rs375944265, ClinGen allele CA1993903.
Genomic context (GRCh38, chr2:178,607,860, plus strand): 5'-CAGTAACAGGTTGTGTTTCTCCAGGCGGTCCTTCCCCTGCGGCATTGACAGCACTCACCC[G>A]AAGTTTGTAATCAGCACCCTCTCGGATTTCTTTGACGGTGTACTGACGGACCTTGATCAT-3'
Protein context (NP_001254479.2, residues 17633-17653): EIREGADYKL[Arg17643Trp]VSAVNAAGEG

ClinVar aggregate classification (germline): Conflicting classifications of pathogenicity. Review status: criteria provided, conflicting classifications (1 of 4 stars). 7 submissions from 7 submitters: Uncertain significance (3); Likely benign (4). Last evaluated 2026-08-17.

Conditions:
TTN-related disorder. Also called: TTN-related disorders; TTN-related condition; TTN-related disease.
Cardiovascular phenotype. Identifiers: MedGen CN230736.

Allele frequency attached by ClinVar (database versions not stated): gnomAD exomes 0.00003 and 0.00006; ExAC 0.00007; ESP Exome Variant Server 0.00016; TOPMed 0.00022; gnomAD 0.00030 and 0.00031; 1000 Genomes Project 30x 0.00047; 1000 Genomes Project 0.00060.
gnomAD v4.1: 86 of 1,613,036 alleles (0.0053%); highest among the groups gnomAD compares: African/African-American, 0.061%; no homozygotes.

Submissions (7):

PreventionGenetics, part of Exact Sciences
Classification: Uncertain significance for TTN-related condition. Last evaluated: 2026-08-17. Review status: criteria provided, single submitter. Criteria: ACMG Guidelines, 2015. Collection method: clinical testing. Allele origin: germline.
Comment: The TTN c.52927C>T variant is predicted to result in the amino acid substitution p.Arg17643Trp. This variant has been reported in an individual with dilated cardiomyopathy (Table S3, Mazzarotto et al. 2020. PubMed ID: 31983221). This variant is reported in 0.070% of alleles in individuals of African descent in gnomAD. Although we suspect that this variant may be benign, at this time, the clinical significance of this variant is uncertain due to the absence of conclusive functional and genetic evidence.

Women's Health and Genetics/Laboratory Corporation of America, LabCorp
Classification: Likely benign. Last evaluated: 2026-06-22. Review status: criteria provided, single submitter. Criteria: LabCorp Variant Classification Summary - May 2015. Collection method: clinical testing. Allele origin: germline.
Comment: Variant summary: TTN c.45223C>T (p.Arg15075Trp) results in a non-conservative amino acid change in the encoded protein sequence. Algorithms developed to predict the effect of missense changes on protein structure and function all suggest that this variant is likely to be disruptive. The variant allele was found at a frequency of 6e-05 in 248394 control chromosomes, predominantly at a frequency of 0.00078 within the African or African-American subpopulation in the gnomAD database. The observed variant frequency within African or African-American control individuals in the gnomAD database exceeds the estimated maximal expected allele frequency for disease-causing variants in TTN. c.45223C>T has been observed in an individual with dilated cardiomyopathy and in an individual with atrial fibrillation, without strong evidence of causality (example: Mazzarotto_2020, Pavel_2026). These reports do not provide unequivocal conclusions about association of the variant with disease. To our knowledge, no experimental evidence demonstrating an impact on protein function has been reported. The following publications have been ascertained in the context of this evaluation (PMID: 31983221, 41569083). ClinVar contains an entry for this variant (Variation ID: 229459). Based on the evidence outlined above, the variant was classified as likely benign.

Blueprint Genetics
Classification: Likely benign. Last evaluated: 2022-05-03. Review status: criteria provided, single submitter. Criteria: ACMG Guidelines, 2015. Collection method: clinical testing. Allele origin: germline.

Revvity Omics, Revvity
Classification: Uncertain significance. Last evaluated: 2020-11-07. Review status: criteria provided, single submitter. Criteria: ACMG Guidelines, 2015. Collection method: clinical testing. Allele origin: germline.

Ambry Genetics
Classification: Likely benign for Cardiovascular phenotype. Last evaluated: 2020-03-11. Review status: criteria provided, single submitter. Criteria: Ambry Variant Classification Scheme 2023. Collection method: clinical testing. Allele origin: germline.

GeneDx
Classification: Likely benign. Last evaluated: 2019-02-07. Review status: criteria provided, single submitter. Criteria: GeneDx Variant Classification Process June 2021. Collection method: clinical testing. Allele origin: germline. Affected: yes.
Comment: This variant is associated with the following publications: (PMID: 31983221)

Laboratory for Molecular Medicine, Mass General Brigham Personalized Medicine
Classification: Uncertain significance. Last evaluated: 2016-03-18. Review status: criteria provided, single submitter. Criteria: LMM Criteria. Collection method: clinical testing. Allele origin: germline. Observed: 2 variant alleles.
Comment: The p.Arg15075Trp variant in TTN has not been previously reported in individuals with cardiomyopathy, but has been identified in 6/9798 African chromosomes by t he Exome Aggregation Consortium (ExAC; dbSNP rs3 75944265).Computational prediction tools and conservation analysis suggest that the p.Arg15075Trp variant may impact the protein, though this information is not predictive enough to determine pathogenicity. In summary, the clinical signific ance of the p.Arg15075Trp variant is uncertain.

Literature cited by the submitters: PubMed 31983221 (cited by Women's Health and Genetics/Laboratory Corporation of America, LabCorp); PubMed 41569083 (cited by Women's Health and Genetics/Laboratory Corporation of America, LabCorp).